The following is an entry in ClinVar:

ClinVar aggregate classification (germline): Likely benign (1 of 4 stars; one submission).

Allele frequency attached by ClinVar (database versions not stated): TOPMed 0.00794 and 0.00719; gnomAD 0.00904.
gnomAD v4.1: 6,354 of 690,342 alleles (0.92%); highest among the groups gnomAD compares: Non-Finnish European, 1.3%; 40 homozygotes.

Submission:

GeneDx
Classification: Likely benign. Last evaluated: 2018-06-14. Review status: criteria provided, single submitter. Criteria: GeneDx Variant Classification (06012015). Collection method: clinical testing. Allele origin: germline. Affected: yes.
Comment: This variant is considered likely benign or benign based on one or more of the following criteria: it is a conservative change, it occurs at a poorly conserved position in the protein, it is predicted to be benign by multiple in silico algorithms, and/or has population frequency not consistent with disease.

NM_001130438.3(SPTAN1):c.6762+151A>C

Gene: SPTAN1 (spectrin alpha, non-erythrocytic 1; plus strand). Cytogenetic location: 9q34.11.
Variant type: single nucleotide variant.
Coding change: c.6762+151A>C on transcript NM_001130438.3 (MANE Select); 151 bases into the intron after coding-DNA position 6762, A replaced by C.
Molecular consequence: intron variant.
Genome position (GRCh38, 1-based): chr9:128,630,526, A>C. VCF-style: chr9-128630526-A-C. GRCh37 (hg19) VCF-style: chr9-131392805-A-C.
Other names: c.6825+151A>C (NM_001363759.2); c.6747+151A>C (NM_003127.4); c.6702+151A>C (NM_001363765.2); c.6687+151A>C (NM_001195532.2).
Identifiers: ClinVar variation 677390 (VCV000677390.1), dbSNP rs139321348, ClinGen allele CA200410749.